The following is an entry in ClinVar:

NM_004448.4(ERBB2):c.1960A>G (p.Ile654Val)

Gene: ERBB2 (erb-b2 receptor tyrosine kinase 2; plus strand). Cytogenetic location: 17q12.
Variant type: single nucleotide variant.
Coding change: c.1960A>G on transcript NM_004448.4 (MANE Select); coding-DNA position 1960, A replaced by G.
Protein change: p.Ile654Val; replaces isoleucine 654 with valine.
Molecular consequence: missense variant. On other transcripts: non-coding transcript variant (1), intron variant (1).
Genome position (GRCh38, 1-based): chr17:39,723,332, A>G. VCF-style: chr17-39723332-A-G. GRCh37 (hg19) VCF-style: chr17-37879585-A-G.
Other names: V654I; c.1912A>G, p.Ile638Val (NM_001382795.1, NM_001382801.1); c.1960A>G, p.Ile654Val (NM_001382796.1, NM_001382797.1, NM_001382798.1 and 7 more transcripts); c.1780A>G, p.Ile594Val (NM_001382799.1); c.1702A>G, p.Ile568Val (NM_001382802.1); c.1132A>G, p.Ile378Val (NM_001382804.1); c.1870A>G, p.Ile624Val (NM_001005862.3, NM_001382782.1, NM_001382783.1); c.1915A>G, p.Ile639Val (NM_001289936.2); and 8 more; short protein forms I654V, I624V, I639V, I378V, I568V, I594V, I638V, I651V.
Identifiers: ClinVar variation 13874 (VCV000013874.33), dbSNP rs1801201, ClinGen allele CA123566.

ClinVar aggregate classification (germline): Benign. Review status: criteria provided, multiple submitters, no conflicts (2 of 4 stars). 5 submissions from 5 submitters: Benign (3). 2 of the submissions do not count toward it. Last evaluated 2026-06-01.

Conditions:
ERBB2 POLYMORPHISM.

Allele frequency attached by ClinVar (database versions not stated): 1000 Genomes Project 30x 0.00234; gnomAD 0.00507 and 0.00526; 1000 Genomes Project 0.00260; TOPMed 0.00549.

Submissions (5):

CeGaT Center for Human Genetics Tuebingen
Classification: Benign. Last evaluated: 2026-06-01. Review status: criteria provided, single submitter. Criteria: CeGaT Center For Human Genetics Tuebingen Variant Classification Criteria Version 2. Collection method: clinical testing. Allele origin: germline. Affected: yes. Observed: 6 variant alleles.
Comment: ERBB2: BP4, BS1, BS2

Labcorp Genetics (formerly Invitae), Labcorp
Classification: Benign. Last evaluated: 2026-01-30. Review status: criteria provided, single submitter. Criteria: Invitae Variant Classification Sherloc (09022015). Collection method: clinical testing. Allele origin: germline.

Breakthrough Genomics
Classification: Benign. Review status: criteria provided, single submitter. Criteria: ACMG Guidelines, 2015. Collection method: not provided. Allele origin: germline. Inheritance: Autosomal recessive inheritance. Affected: yes.

ITMI
No classification provided. Condition: AllHighlyPenetrant. Last evaluated: 2013-09-19. Review status: no classification provided. Collection method: reference population. Allele origin: germline. Not counted in ClinVar's aggregate classification.
Comment: Please see associated publication for description of ethnicities

OMIM
Classification: Benign for ERBB2 POLYMORPHISM. Last evaluated: 1993-02-01. Review status: no assertion criteria provided. Collection method: literature only. Allele origin: germline. Not counted in ClinVar's aggregate classification.

Literature cited by the submitters: PubMed 24728327 (cited by ITMI); PubMed 8095488 (cited by OMIM).